The following is an entry in ClinVar:

NM_004304.5(ALK):c.337G>C (p.Gly113Arg)

Gene: ALK (ALK receptor tyrosine kinase; minus strand). Cytogenetic location: 2p23.1.
Variant type: single nucleotide variant.
Coding change: c.337G>C on transcript NM_004304.5 (MANE Select); coding-DNA position 337, G replaced by C.
Protein change: p.Gly113Arg; replaces glycine 113 with arginine.
Molecular consequence: missense variant.
Genome position (GRCh38, 1-based): chr2:29,920,323, C>G on the plus strand (G>C on the coding strand, the complement: ALK is on the minus strand). VCF-style: chr2-29920323-C-G. GRCh37 (hg19) VCF-style: chr2-30143189-C-G.
Other names: short protein forms G113R.
Identifiers: ClinVar variation 1983724 (VCV001983724.4), dbSNP rs748952373, ClinGen allele CA346590235.

ClinVar aggregate classification (germline): Uncertain significance (1 of 4 stars; one submission).

Conditions:
Neuroblastoma, susceptibility to, 3. Also called: ALK-Related Neuroblastic Tumor Susceptibility. Identifiers: Orphanet 635, MedGen C2751681, MONDO:0013083, OMIM 613014.

gnomAD v4.1: 2 of 1,554,672 alleles (0.00013%); highest among the groups gnomAD compares: South Asian, 0.0023%; no homozygotes.

Submission:

Labcorp Genetics (formerly Invitae), Labcorp
Classification: Uncertain significance for Neuroblastoma, susceptibility to, 3. Last evaluated: 2022-09-15. Review status: criteria provided, single submitter. Criteria: Invitae Variant Classification Sherloc (09022015). Collection method: clinical testing. Allele origin: germline.
Comment: This variant has not been reported in the literature in individuals affected with ALK-related conditions. Algorithms developed to predict the effect of missense changes on protein structure and function are either unavailable or do not agree on the potential impact of this missense change (SIFT: "Deleterious"; PolyPhen-2: "Benign"; Align-GVGD: "Class C0"). In summary, the available evidence is currently insufficient to determine the role of this variant in disease. Therefore, it has been classified as a Variant of Uncertain Significance. This sequence change replaces glycine, which is neutral and non-polar, with arginine, which is basic and polar, at codon 113 of the ALK protein (p.Gly113Arg). This variant is not present in population databases (gnomAD no frequency).